The following is an entry in ClinVar:

ClinVar aggregate classification (germline): Pathogenic/Likely pathogenic. Review status: criteria provided, multiple submitters, no conflicts (2 of 4 stars). 2 submissions from 2 submitters: Pathogenic (1); Likely pathogenic (1). Last evaluated 2025-11-11.

Conditions:
CHD7-related CHARGE syndrome. Identifiers: MedGen CN380413, MONDO:1010178, OMIM 214800.

Submissions (2):

Variantyx, Inc.
Classification: Pathogenic for CHD7-related CHARGE syndrome. Last evaluated: 2025-11-11. Review status: criteria provided, single submitter. Criteria: Variantyx Assertion Criteria 2022. Collection method: clinical testing. Allele origin: germline. Inheritance: Autosomal recessive inheritance. Affected: yes.
Comment: This is a frameshift variant in the CHD7 gene (OMIM: 608892). Pathogenic variants in this gene have been associated with autosomal dominant CHARGE syndrome. This variant introduces a premature termination codon in exon 37 out of 38 and is expected to result in loss of function, which is a known disease mechanism for CHD7 in this disorder (PMID: 22461308, 25077900, 16155193) (PVS1). This variant is absent from control populations (PM2). Based on the current evidence, this variant is classified as pathogenic for autosomal dominant CHARGE syndrome.

GeneDx
Classification: Likely pathogenic. Last evaluated: 2018-05-23. Review status: criteria provided, single submitter. Criteria: GeneDx Variant Classification (06012015). Collection method: clinical testing. Allele origin: germline. Affected: yes.
Comment: The c.8063_8064delTA variant has not been published as a pathogenic variant, nor has it been reported as a benign variant to our knowledge. The c.8063_8064delTA variant is not observed in large population cohorts (Lek et al., 2016). The c.8063_8064delTA variant causes a frameshift starting with codon Isoleucine 2688, changes this amino acid to a Serine residue, and creates a premature Stop codon at position 2 of the new reading frame, denoted p.Ile2688SerfsX2. This variant is predicted to cause loss of normal protein function through protein truncation as the last 310 amino acids of the protein are lost and replaced with one incorrect amino acid. Therefore, this variant is likely pathogenic; however, the possibility that it is benign cannot be excluded.

Literature cited by the submitters: PubMed 22461308 (cited by Variantyx, Inc.); PubMed 25077900 (cited by Variantyx, Inc.); PubMed 16155193 (cited by Variantyx, Inc.).

NM_017780.4(CHD7):c.8063_8064del (p.Ile2688fs)

Gene: CHD7 (chromodomain helicase DNA binding protein 7; plus strand). Cytogenetic location: 8q12.2.
Variant type: Microsatellite.
Coding change: c.8063_8064del on transcript NM_017780.4 (MANE Select); coding-DNA positions 8063 to 8064, 2 bases deleted (TA; older notation c.8063_8064delTA).
Protein change: p.Ile2688fs; shifts the reading frame from isoleucine 2688.
Molecular consequence: frameshift variant.
Genome position (GRCh38, 1-based): chr8:60,862,639-60,862,640, TA deleted; deleting any 2 consecutive bases within chr8:60,862,636-60,862,640 gives the same sequence; the c. name uses the placement nearest the transcript's 3' end. VCF-style (leftmost placement, unchanged base first): chr8-60862635-GAT-G. GRCh37 (hg19) VCF-style: chr8-61775194-GAT-G.
Other names: c.1916_1917del, p.Ile639fs (NM_001316690.1); short protein forms I639fs, I2688fs.
Identifiers: ClinVar variation 545953 (VCV000545953.2), dbSNP rs1554606367, ClinGen allele CA658821532.